The following is an entry in ClinVar:

ClinVar aggregate classification (germline): Uncertain significance. Review status: criteria provided, multiple submitters, no conflicts (2 of 4 stars). 3 submissions from 3 submitters: Uncertain significance (3). Last evaluated 2024-10-25.

Conditions:
Hereditary cancer-predisposing syndrome. Also called: Hereditary Cancer Syndrome; Neoplastic Syndromes, Hereditary; Tumor predisposition; Hereditary neoplastic syndrome. Identifiers: Orphanet 140162, MedGen C0027672, MeSH D009386, MONDO:0015356.
Isolated focal cortical dysplasia type II (FCORD2). Also called: CORTICAL DYSPLASIA OF TAYLOR; Focal cortical dysplasia type II. Identifiers: Orphanet 268994, MedGen C1846385, MONDO:0011818, OMIM 607341, HP:0032051.
Tuberous sclerosis 1 (TSC1). Identifiers: Orphanet 805, MedGen C1854465, MONDO:0008612, OMIM 191100.

Allele frequency attached by ClinVar (database versions not stated): gnomAD 0.00001 and 0.00003.
gnomAD v4.1: 1 of 1,614,082 alleles (0.000062%); highest among the groups gnomAD compares: Non-Finnish European, 0.000085%; no homozygotes.

Submissions (3):

Labcorp Genetics (formerly Invitae), Labcorp
Classification: Uncertain significance for Tuberous sclerosis 1. Last evaluated: 2024-10-25. Review status: criteria provided, single submitter. Criteria: Invitae Variant Classification Sherloc (09022015). Collection method: clinical testing. Allele origin: germline.
Comment: This sequence change replaces leucine, which is neutral and non-polar, with phenylalanine, which is neutral and non-polar, at codon 116 of the TSC1 protein (p.Leu116Phe). This variant is present in population databases (no rsID available, gnomAD 0.007%). This variant has not been reported in the literature in individuals affected with TSC1-related conditions. ClinVar contains an entry for this variant (Variation ID: 231856). Invitae Evidence Modeling of protein sequence and biophysical properties (such as structural, functional, and spatial information, amino acid conservation, physicochemical variation, residue mobility, and thermodynamic stability) indicates that this missense variant is expected to disrupt TSC1 protein function with a positive predictive value of 80%. In summary, the available evidence is currently insufficient to determine the role of this variant in disease. Therefore, it has been classified as a Variant of Uncertain Significance.

Baylor Genetics
Classification: Uncertain significance for Isolated focal cortical dysplasia type II. Last evaluated: 2024-02-21. Review status: criteria provided, single submitter. Criteria: ACMG Guidelines, 2015. Collection method: clinical testing. Allele origin: unknown.

Ambry Genetics
Classification: Uncertain significance for Hereditary cancer-predisposing syndrome. Last evaluated: 2021-10-12. Review status: criteria provided, single submitter. Criteria: Ambry Variant Classification Scheme 2023. Collection method: clinical testing. Allele origin: germline.
Comment: The p.L116F variant (also known as c.348A>C), located in coding exon 3 of the TSC1 gene, results from an A to C substitution at nucleotide position 348. The leucine at codon 116 is replaced by phenylalanine, an amino acid with highly similar properties. In a study of whole-exome sequencing in patients with features of Cowden syndrome (CS) or Bannayan-Riley-Ruvalcaba syndrome (BRRS) and negative PTEN testing, this alteration was identified in 0/87 patients with CS or BRRS and 1/3476 patients from The Cancer Genome Atlas (TCGA) (Yehia L et al. PLoS Genet, 2018 04;14:e1007352). This amino acid position is highly conserved in available vertebrate species. In addition, this alteration is predicted to be deleterious by in silico analysis. Since supporting evidence is limited at this time, the clinical significance of this alteration remains unclear.

Literature cited by the submitters: PubMed 29684080 (cited by Ambry Genetics).

NM_000368.5(TSC1):c.348A>C (p.Leu116Phe)

Gene: TSC1 (TSC complex subunit 1; minus strand). Cytogenetic location: 9q34.13.
Variant type: single nucleotide variant.
Coding change: c.348A>C on transcript NM_000368.5 (MANE Select); coding-DNA position 348, A replaced by C.
Protein change: p.Leu116Phe; replaces leucine 116 with phenylalanine.
Molecular consequence: missense variant. On other transcripts: 5 prime UTR variant (1), intron variant (1).
Genome position (GRCh38, 1-based): chr9:132,925,602, T>G on the plus strand (A>C on the coding strand, the complement: TSC1 is on the minus strand). VCF-style: chr9-132925602-T-G. GRCh37 (hg19) VCF-style: chr9-135800989-T-G.
Other names: c.348A>C, p.Leu116Phe (NM_001162426.2); c.-16A>C (NM_001362177.2); c.210+1599A>C (NM_001162427.2); short protein forms L116F.
Identifiers: ClinVar variation 231856 (VCV000231856.14), dbSNP rs755799702, ClinGen allele CA10578831.